The following is an entry in ClinVar:

NM_016507.4(CDK12):c.944G>T (p.Arg315Ile)

Genes: CDK12 (cyclin dependent kinase 12; plus strand), LOC126862553 (CDK7 strongly-dependent group 2 enhancer GRCh37_chr17:37618166-37619365; plus strand). Cytogenetic location: 17q12.
Variant type: single nucleotide variant.
Coding change: c.944G>T on transcript NM_016507.4 (MANE Select); coding-DNA position 944, G replaced by T.
Protein change: p.Arg315Ile; replaces arginine 315 with isoleucine.
Molecular consequence: missense variant.
Genome position (GRCh38, 1-based): chr17:39,463,015, G>T. VCF-style: chr17-39463015-G-T. GRCh37 (hg19) VCF-style: chr17-37619268-G-T.
Other names: c.944G>T, p.Arg315Ile (NM_015083.4); short protein forms R315I.
Identifiers: ClinVar variation 3999277 (VCV003999277.1).
Genomic context (GRCh38, chr17:39,463,015, plus strand): 5'-ACAGTAGGCGACAGAGATCTGTCAGTCCCTATAGCAGGAGACGGTCGTCCAGCTACGAAA[G>T]AAGTGGCTCTTACAGCGGGCGATCGCCCAGTCCCTATGGTCGAAGGCGGTCCAGCAGCCC-3'
Protein context (NP_057591.2, residues 305-325): YSRRRSSSYE[Arg315Ile]SGSYSGRSPS

ClinVar aggregate classification (germline): Uncertain significance (1 of 4 stars; one submission).

Submission:

Ambry Genetics
Classification: Uncertain significance. Last evaluated: 2025-03-27. Review status: criteria provided, single submitter. Criteria: Ambry Variant Classification Scheme 2023. Collection method: clinical testing. Allele origin: germline.
Comment: The p.R315I variant (also known as c.944G>T), located in coding exon 1 of the CDK12 gene, results from a G to T substitution at nucleotide position 944. The arginine at codon 315 is replaced by isoleucine, an amino acid with similar properties. This amino acid position is conserved. In addition, the in silico prediction for this alteration is inconclusive. Based on the available evidence, the clinical significance of this variant remains unclear.